The following is an entry in ClinVar:

ClinVar aggregate classification (germline): Pathogenic. Review status: criteria provided, multiple submitters, no conflicts (2 of 4 stars). 11 submissions from 11 submitters: Pathogenic (10). 1 of the submissions does not count toward it. Last evaluated 2026-01-14.

Conditions:
HEXA-related disorders.
Tay-Sachs disease (TSD). Also called: HEXA DEFICIENCY; Hexosaminidase A Deficiency; HEXA Disorders; GM2 gangliosidosis, type 1; Hexosaminidase alpha-subunit deficiency (variant B); Sphingolipidosis, Tay-Sachs. Identifiers: Orphanet 845, MedGen C0039373, MONDO:0010100, OMIM 272800.

Allele frequency attached by ClinVar (database versions not stated): TOPMed 0.00005; ExAC 0.00009; gnomAD 0.00002; gnomAD exomes 0.00007 and 0.00012; ESP Exome Variant Server 0.00023.
gnomAD v4.1: 109 of 1,612,550 alleles (0.0068%); highest among the groups gnomAD compares: Non-Finnish European, 0.00059%; no homozygotes.

Submissions (12):

Labcorp Genetics (formerly Invitae), Labcorp
Classification: Pathogenic for Tay-Sachs disease. Last evaluated: 2026-01-14. Review status: criteria provided, single submitter. Criteria: Invitae Variant Classification Sherloc (09022015). Collection method: clinical testing. Allele origin: germline.
Comment: This sequence change affects a donor splice site in intron 12 of the HEXA gene. It is expected to disrupt RNA splicing. Variants that disrupt the donor or acceptor splice site typically lead to a loss of protein function (PMID: 16199547), and loss-of-function variants in HEXA are known to be pathogenic (PMID: 1833974, 8490625). This variant is present in population databases (rs147324677, gnomAD 0.2%). Disruption of this splice site has been observed in individual(s) with Tay-Sachs disease (PMID: 2837213, 2973464, 3362213, 3375249, 9222766). It is commonly reported in individuals of Ashkenazi Jewish ancestry (PMID: 16088929). This variant is also known as IVS12+1G>C. ClinVar contains an entry for this variant (Variation ID: 3890). Algorithms developed to predict the effect of sequence changes on RNA splicing suggest that this variant may disrupt the consensus splice site. For these reasons, this variant has been classified as Pathogenic.

Natera, Inc.
Classification: Pathogenic for Tay-Sachs disease. Last evaluated: 2024-06-28. Review status: criteria provided, single submitter. Criteria: Natera Variant Classification Schema (03/2026). Collection method: clinical testing. Allele origin: germline.
Comment: The c.1421+1G>C variant in HEXA is a canonical splice donor site variant predicted to affect pre-mRNA splicing, which may result in an abnormal transcript and altered protein product. This variant is expected to result in nonsense mediated decay, truncation, or a dysfunctional protein product. This variant has been observed in one or more individuals affected with the associated recessive disease, as either homozygous or compound heterozygous with a second variant (PMID: 27879213). Given the available evidence, this variant is classified as Pathogenic.

Blueprint Genetics
Classification: Pathogenic for HEXA-related disorders. Last evaluated: 2024-05-08. Review status: criteria provided, single submitter. Criteria: ACMG Guidelines, 2015. Collection method: clinical testing. Allele origin: germline. Affected: yes. Observed: 3 variant alleles.

ARUP Laboratories, Molecular Genetics and Genomics, ARUP Laboratories
Classification: Pathogenic. Last evaluated: 2023-10-23. Review status: criteria provided, single submitter. Criteria: ARUP Molecular Germline Variant Investigation Process 2024. Collection method: clinical testing. Allele origin: germline.
Comment: The HEXA c.1421+1G>C variant (rs147324677), also known as IVS12+1G>C, is reported in the medical literature in carriers of Tay-Sachs disease as well as individuals affected with Tay-Sachs disease (Arpaia 1988, Kaufman 1997). This variant is also reported in ClinVar (Variation ID: 3890), and is found in the Ashkenazi Jewish population with an allele frequency of 0.25% (25/10032 alleles) in the Genome Aggregation Database. This variant disrupts the canonical splice donor site of intron 12, which is likely to negatively impact gene function Based on available information, this variant is considered to be pathogenic. References: Arpaia E et al. Identification of an altered splice site in Ashkenazi Tay-Sachs disease. Nature. 1988 May 5;333(6168):85-6. Kaufman M et al. Tay-Sachs disease and HEXA mutations among Moroccan Jews. Hum Mutat. 1997;10(4):295-300.

Victorian Clinical Genetics Services, Murdoch Childrens Research Institute
Classification: Pathogenic for Tay-Sachs disease. Last evaluated: 2022-03-31. Review status: criteria provided, single submitter. Criteria: ACMG Guidelines, 2015. Collection method: clinical testing. Allele origin: germline. Inheritance: Autosomal recessive inheritance.
Comment: Based on the classification scheme VCGS_Germline_v1.3.4, this variant is classified as Pathogenic. Following criteria are met: 0102 - Loss of function is a known mechanism of disease in this gene and is associated with Tay-Sachs disease (MIM#272800). (I) 0106 - This gene is associated with autosomal recessive disease. (I) 0209 - Splice site variant proven to affect splicing of the transcript with uncertain effect on protein sequence. RNA studies showed intron 12 retention. However, the authors were unable to predict whether the entire intron or only part of it was retained (PMID: 2837213). (SP) 0251 - This variant is heterozygous. (I) 0304 - Variant is present in gnomAD <0.01 for a recessive condition (v2: 29 heterozygotes, 0 homozygotes). (SP) 0801 - This variant has strong previous evidence of pathogenicity in unrelated individuals. It is one of the three most common variants to cause Tay-Sachs disease in the Ashkenazi Jewish population (ClinVar, PMIDs: 2837213, 23852624). (SP) 1208 - Inheritance information for this variant is not currently available in this individual. (I) Legend: (SP) - Supporting pathogenic, (I) - Information, (SB) - Supporting benign

Fulgent Genetics
Classification: Pathogenic for Tay-Sachs disease. Last evaluated: 2022-01-16. Review status: criteria provided, single submitter. Criteria: ACMG Guidelines, 2015. Collection method: clinical testing. Allele origin: unknown.

GeneDx
Classification: Pathogenic. Last evaluated: 2021-04-26. Review status: criteria provided, single submitter. Criteria: GeneDx Variant Classification Process June 2021. Collection method: clinical testing. Allele origin: germline. Affected: yes.
Comment: Common pathogenic variant in the HEXA gene found in the Ashkenazi Jewish population and associated with infantile onset Tay-Sachs disease (Kaback, M., 2011); Canonical splice site variant in a gene for which loss-of-function is a known mechanism of disease; Functional analysis of c.1421+1 G>C cDNA clones found that this variant results in abnormal gene splicing (Ohno et al. 1988); Kaback, M. and Desnick, R. (Updated [August 11, 2011]) Hexosaminidase A Deficiency In: GeneReviews at Genetests: Medical Genetics Information Resource (database online). Copyright, University of Washington, Seattle. 1997- 2015. Accessed [Nov 2016]; Ohno et al. (1988) Biochem. Biophys. Res. Commun. 153 (1):463-9 (PMID: 2837213);; This variant is associated with the following publications: (PMID: 3362213, 25525159, 22975760, 2837213, 9222766, 2973464, 3375249, 22109873, 29795570, 16088929, 8490625, 1833974, 1387685)

Revvity Omics, Revvity
Classification: Pathogenic for Tay-Sachs disease. Last evaluated: 2020-06-11. Review status: criteria provided, single submitter. Criteria: ACMG Guidelines, 2015. Collection method: clinical testing. Allele origin: germline.

Myriad Genetics, Inc.
Classification: Pathogenic for Tay-Sachs disease. Last evaluated: 2019-12-19. Review status: criteria provided, single submitter. Criteria: Myriad Women's Health Autosomal Recessive and X-Linked Classification Criteria (2019). Collection method: clinical testing. Allele origin: unknown.
Comment: NM_000520.4(HEXA):c.1421+1G>C is classified as pathogenic in the context of hexosaminidase A deficiency. Please note that c.1421+1G>C is associated with Tay-Sachs disease. Sources cited for classification include the following: PMID 3375249, 2837213, 3362213, 9222766 and 2973464. Classification of NM_000520.4(HEXA):c.1421+1G>C is based on the following criteria: The variant is located at a canonical splice site, is expected to disrupt gene function and is reported in individuals with the relevant phenotype. Please note: this variant was assessed in the context of healthy population screening.

Women's Health and Genetics/Laboratory Corporation of America, LabCorp
Classification: Pathogenic for Tay-Sachs disease. Last evaluated: 2016-01-19. Review status: criteria provided, single submitter. Criteria: LabCorp Variant Classification Summary - May 2015. Collection method: clinical testing. Allele origin: germline.
Comment: Variant summary: The c.1421+1G>C in HEXA gene alters a conservative nucleotide and mutation Taster predicts a deleterious outcome. 5/5 in silico tools via Alamut predict this variant to have a major effect on splicing pattern. These predictions were confirmed by Ohno et al (1988) who showed that this variants leads to exon12 skipping. This variant has been reported in the literature in multiple affected individuals presented with classic Tay-Sachs disease. This mutation, the second most frequent among Ashkenazi Jews, accounted for approximately 15% of cases in this ethnic group (Montavlo, 2005). The variant is present in the broad control population dataset of ExAC at a low frequency exclusively in European cohort (0.0165%), which does not exceed the maximum frequency for a pathogenic variant in HEXA gene (0.14%). Taking together, the variant was classified as Pathogenic.

OMIM
Classification: Pathogenic for TAY-SACHS DISEASE. Last evaluated: 1997-01-01. Review status: no assertion criteria provided. Collection method: literature only. Allele origin: germline. Not counted in ClinVar's aggregate classification.

Dr. Peter K. Rogan Lab, Western University
No classification provided (evidence only). Condition: Sarcoma. Review status: no classification provided. Collection method: in vitro. Allele origin: not applicable. Functional consequence: skipped exon, retained intron. Not counted in ClinVar's aggregate classification.

Literature cited by the submitters: PubMed 16199547 (cited by Labcorp Genetics (formerly Invitae), Labcorp); PubMed 1833974 (cited by Labcorp Genetics (formerly Invitae), Labcorp); PubMed 8490625 (cited by Labcorp Genetics (formerly Invitae), Labcorp); PubMed 2837213 (cited by 5 submitters); PubMed 2973464 (cited by 3 submitters); PubMed 3362213 (cited by 4 submitters); PubMed 3375249 (cited by Labcorp Genetics (formerly Invitae), Labcorp and Myriad Genetics, Inc.); PubMed 9222766 (cited by 4 submitters); PubMed 16088929 (cited by Labcorp Genetics (formerly Invitae), Labcorp and Women's Health and Genetics/Laboratory Corporation of America, LabCorp); PubMed 27879213 (cited by Natera, Inc.); PubMed 23852624 (cited by Victorian Clinical Genetics Services, Murdoch Childrens Research Institute); PubMed 2848800 (cited by OMIM).

NM_000520.6(HEXA):c.1421+1G>C

Gene: HEXA (hexosaminidase subunit alpha; minus strand). Cytogenetic location: 15q23.
Variant type: single nucleotide variant.
Coding change: c.1421+1G>C on transcript NM_000520.6 (MANE Select); the canonical splice donor site of the intron after coding-DNA position 1421, G replaced by C.
Molecular consequence: splice donor variant.
Genome position (GRCh38, 1-based): chr15:72,346,234, C>G on the plus strand (G>C on the coding strand, the complement: HEXA is on the minus strand). VCF-style: chr15-72346234-C-G. GRCh37 (hg19) VCF-style: chr15-72638575-C-G.
Other names: IVS12, G-C, +1; c.1454+1G>C (NM_001318825.2); c.1421+1G>C (NM_000520.5).
Identifiers: ClinVar variation 3890 (VCV000003890.200), dbSNP rs147324677, ClinGen allele CA252904.
Genomic context (GRCh38, chr15:72,346,234, plus strand): 5'-CTCTAAGGGAGAACTCCTGCTCTCAGGCCCAACCCTCCACCTCCCCCCCGAAAACCCTTA[C>G]CAGAGCCTGGGGACCAGGTTTGTGTTGTCCACATATTCTCCCCACATACAAGCCTCTCCA-3'